The following is an entry in ClinVar:

NM_000548.5(TSC2):c.857T>C (p.Met286Thr)

Gene: TSC2 (TSC complex subunit 2; plus strand). Cytogenetic location: 16p13.3.
Variant type: single nucleotide variant.
Coding change: c.857T>C on transcript NM_000548.5 (MANE Select); coding-DNA position 857, T replaced by C.
Protein change: p.Met286Thr; replaces methionine 286 with threonine.
Molecular consequence: missense variant.
Genome position (GRCh38, 1-based): chr16:2,058,755, T>C. VCF-style: chr16-2058755-T-C. GRCh37 (hg19) VCF-style: chr16-2108756-T-C.
Other names: c.890T>C, p.Met297Thr (NM_001318832.2); c.857T>C, p.Met286Thr (NM_001363528.2, NM_001370404.1, NM_001370405.1 and 3 more transcripts); c.746T>C, p.Met249Thr (NM_001318827.2); c.710T>C, p.Met237Thr (NM_001318829.2); c.257T>C, p.Met86Thr (NM_001318831.2); short protein forms M286T, M297T, M249T, M86T, M237T.
Identifiers: ClinVar variation 50010 (VCV000050010.48), dbSNP rs45517136, ClinGen allele CA023058.

ClinVar aggregate classification (germline): Benign/Likely benign. Review status: criteria provided, multiple submitters, no conflicts (2 of 4 stars). 6 submissions from 6 submitters: Benign (1); Likely benign (4). 1 of the submissions does not count toward it. Last evaluated 2025-12-15.

Conditions:
Hereditary cancer-predisposing syndrome. Also called: Hereditary Cancer Syndrome; Tumor predisposition; Neoplastic Syndromes, Hereditary; Hereditary neoplastic syndrome. Identifiers: Orphanet 140162, MedGen C0027672, MeSH D009386, MONDO:0015356.
Tuberous sclerosis syndrome (TSC). Also called: Tuberous Sclerosis Complex; Tuberous sclerosis. Identifiers: Orphanet 805, MedGen C0041341, MONDO:0001734.
Tuberous sclerosis 2 (TSC2). Identifiers: Orphanet 805, MedGen C1860707, MONDO:0013199, OMIM 613254.

Allele frequency attached by ClinVar (database versions not stated): gnomAD 0.00001; gnomAD exomes 0.00001; TOPMed 0.00001; ExAC 0.00003; ESP Exome Variant Server 0.00008.
gnomAD v4.1: 21 of 1,583,092 alleles (0.0013%); highest among the groups gnomAD compares: Non-Finnish European, 0.0015%; no homozygotes.

Submissions (6):

Labcorp Genetics (formerly Invitae), Labcorp
Classification: Benign for Tuberous sclerosis 2. Last evaluated: 2025-12-15. Review status: criteria provided, single submitter. Criteria: Invitae Variant Classification Sherloc (09022015). Collection method: clinical testing. Allele origin: germline.

CeGaT Center for Human Genetics Tuebingen
Classification: Likely benign. Last evaluated: 2024-10-01. Review status: criteria provided, single submitter. Criteria: CeGaT Center For Human Genetics Tuebingen Variant Classification Criteria Version 2. Collection method: clinical testing. Allele origin: germline. Affected: yes. Observed: 2 variant alleles.
Comment: TSC2: BS2

Ambry Genetics
Classification: Likely benign for Hereditary cancer-predisposing syndrome. Last evaluated: 2023-03-24. Review status: criteria provided, single submitter. Criteria: Ambry Variant Classification Scheme 2023. Collection method: clinical testing. Allele origin: germline.

Genome-Nilou Lab
Classification: Likely benign for Tuberous sclerosis 2. Last evaluated: 2021-11-07. Review status: criteria provided, single submitter. Criteria: ACMG Guidelines, 2015. Collection method: clinical testing. Allele origin: germline. Affected: no.

GeneDx
Classification: Likely benign. Last evaluated: 2015-06-25. Review status: criteria provided, single submitter. Criteria: GeneDx Variant Classification (06012015). Collection method: clinical testing. Allele origin: germline. Affected: yes.
Comment: This variant is considered likely benign or benign based on one or more of the following criteria: it is a conservative change, it occurs at a poorly conserved position in the protein, it is predicted to be benign by multiple in silico algorithms, and/or has population frequency not consistent with disease.

Tuberous sclerosis database (TSC2)
No classification provided. Condition: TSC. Review status: no classification provided. Criteria: Tuberous Sclerosis Database Assertion Criteria 2015. Collection method: curation. Allele origin: germline. Affected: yes. Not counted in ClinVar's aggregate classification.

Literature cited by the submitters: PubMed 10533067 (cited by Ambry Genetics).